The following is an entry in ClinVar:

NM_001256789.3(CACNA1F):c.1276+25C>T

Gene: CACNA1F (calcium voltage-gated channel subunit alpha1 F; minus strand). Cytogenetic location: Xp11.23.
Variant type: single nucleotide variant.
Coding change: c.1276+25C>T on transcript NM_001256789.3 (MANE Select); 25 bases into the intron after coding-DNA position 1276, C replaced by T.
Molecular consequence: intron variant. On other transcripts: missense variant (2).
Genome position (GRCh38, 1-based): chrX:49,226,945, G>A on the plus strand (C>T on the coding strand, the complement: CACNA1F is on the minus strand). VCF-style: chrX-49226945-G-A. GRCh37 (hg19) VCF-style: chrX-49083407-G-A.
Other names: c.1301C>T (NM_005183.2); c.1106C>T, p.Ala369Val (NM_001256790.3); c.1301C>T, p.Ala434Val (NM_005183.4); short protein forms A434V, A369V.
Identifiers: ClinVar variation 1410459 (VCV001410459.10), dbSNP rs1360293270, ClinGen allele CA412918197.

ClinVar aggregate classification (germline): Conflicting classifications of pathogenicity. Review status: criteria provided, conflicting classifications (1 of 4 stars). 3 submissions from 3 submitters: Likely pathogenic (1); Uncertain significance (2). Last evaluated 2025-07-25.

Allele frequency attached by ClinVar (database versions not stated): TOPMed below 0.00001; gnomAD 0.00001.
gnomAD v4.1: 2 of 1,209,871 alleles (0.00017%); highest among the groups gnomAD compares: Non-Finnish European, 0.00022%; no homozygotes.

Submissions (3):

GeneDx
Classification: Likely pathogenic. Last evaluated: 2025-07-25. Review status: criteria provided, single submitter. Criteria: GeneDx Variant Classification Process June 2021. Collection method: clinical testing. Allele origin: germline. Affected: yes.
Comment: In silico analysis suggests that this missense variant does not alter protein structure/function; Not observed at significant frequency in large population cohorts (gnomAD); In silico analysis supports a deleterious effect on splicing; This variant is associated with the following publications: (PMID: 35052368, 32313206, 34064005, 28002560)

Labcorp Genetics (formerly Invitae), Labcorp
Classification: Uncertain significance. Last evaluated: 2022-07-26. Review status: criteria provided, single submitter. Criteria: Invitae Variant Classification Sherloc (09022015). Collection method: clinical testing. Allele origin: germline.
Comment: In summary, the available evidence is currently insufficient to determine the role of this variant in disease. Therefore, it has been classified as a Variant of Uncertain Significance. Algorithms developed to predict the effect of sequence changes on RNA splicing suggest that this variant may create or strengthen a splice site. Algorithms developed to predict the effect of missense changes on protein structure and function (SIFT, PolyPhen-2, Align-GVGD) all suggest that this variant is likely to be tolerated. ClinVar contains an entry for this variant (Variation ID: 1410459). This missense change has been observed in individuals with CACNA1F-related conditions (PMID: 28002560; Invitae). This variant is not present in population databases (gnomAD no frequency). This sequence change replaces alanine, which is neutral and non-polar, with valine, which is neutral and non-polar, at codon 434 of the CACNA1F protein (p.Ala434Val).

Blueprint Genetics
Classification: Uncertain significance. Last evaluated: 2021-03-23. Review status: criteria provided, single submitter. Criteria: ACMG Guidelines, 2015. Collection method: clinical testing. Allele origin: germline.

Literature cited by the submitters: PubMed 28002560 (cited by Labcorp Genetics (formerly Invitae), Labcorp).